The following is an entry in ClinVar:

NM_006206.6(PDGFRA):c.594C>G (p.Phe198Leu)

Gene: PDGFRA (platelet derived growth factor receptor alpha; plus strand). Cytogenetic location: 4q12.
Variant type: single nucleotide variant.
Coding change: c.594C>G on transcript NM_006206.6 (MANE Select); coding-DNA position 594, C replaced by G.
Protein change: p.Phe198Leu; replaces phenylalanine 198 with leucine.
Molecular consequence: missense variant.
Genome position (GRCh38, 1-based): chr4:54,263,893, C>G. VCF-style: chr4-54263893-C-G. GRCh37 (hg19) VCF-style: chr4-55130060-C-G.
Other names: c.594C>G, p.Phe198Leu (NM_001347827.2, NM_001347829.2); c.669C>G, p.Phe223Leu (NM_001347828.2); c.633C>G, p.Phe211Leu (NM_001347830.2); short protein forms F198L, F211L, F223L.
Identifiers: ClinVar variation 407375 (VCV000407375.8), dbSNP rs1018795199, ClinGen allele CA16611546.

ClinVar aggregate classification (germline): Conflicting classifications of pathogenicity. Review status: criteria provided, conflicting classifications (1 of 4 stars). 2 submissions from 2 submitters: Uncertain significance (1); Likely benign (1). Last evaluated 2025-06-24.

Conditions:
Gastrointestinal stromal tumor. Also called: Gastrointestinal stromal tumor, somatic; Gastrointestinal stroma tumor. Identifiers: Orphanet 44890, MedGen C0238198, MeSH D046152, MONDO:0011719, OMIM 606764, HP:0100723.
Hereditary cancer-predisposing syndrome. Also called: Neoplastic Syndromes, Hereditary; Hereditary Cancer Syndrome; Hereditary neoplastic syndrome; Tumor predisposition. Identifiers: Orphanet 140162, MedGen C0027672, MeSH D009386, MONDO:0015356.

gnomAD v4.1: 1 of 1,613,982 alleles (0.000062%); highest among the groups gnomAD compares: Non-Finnish European, 0.000085%; no homozygotes.

Submissions (2):

Ambry Genetics
Classification: Likely benign for Hereditary cancer-predisposing syndrome. Last evaluated: 2025-06-24. Review status: criteria provided, single submitter. Criteria: Ambry Variant Classification Scheme 2023. Collection method: clinical testing. Allele origin: germline.

Labcorp Genetics (formerly Invitae), Labcorp
Classification: Uncertain significance for Gastrointestinal stromal tumor. Last evaluated: 2025-02-03. Review status: criteria provided, single submitter. Criteria: Invitae Variant Classification Sherloc (09022015). Collection method: clinical testing. Allele origin: germline.
Comment: This sequence change replaces phenylalanine, which is neutral and non-polar, with leucine, which is neutral and non-polar, at codon 198 of the PDGFRA protein (p.Phe198Leu). This variant is not present in population databases (gnomAD no frequency). This missense change has been observed in individual(s) with congenital diaphragmatic hernia (PMID: 25107291). ClinVar contains an entry for this variant (Variation ID: 407375). Invitae Evidence Modeling of protein sequence and biophysical properties (such as structural, functional, and spatial information, amino acid conservation, physicochemical variation, residue mobility, and thermodynamic stability) indicates that this missense variant is not expected to disrupt PDGFRA protein function with a negative predictive value of 80%. In summary, the available evidence is currently insufficient to determine the role of this variant in disease. Therefore, it has been classified as a Variant of Uncertain Significance.

Literature cited by the submitters: PubMed 25107291 (cited by Labcorp Genetics (formerly Invitae), Labcorp).